The following is an entry in ClinVar:

NM_001972.4(ELANE):c.773G>C (p.Arg258Pro)

Gene: ELANE (elastase, neutrophil expressed; plus strand). Cytogenetic location: 19p13.3.
Variant type: single nucleotide variant.
Coding change: c.773G>C on transcript NM_001972.4 (MANE Select); coding-DNA position 773, G replaced by C.
Protein change: p.Arg258Pro; replaces arginine 258 with proline.
Molecular consequence: missense variant.
Genome position (GRCh38, 1-based): chr19:856,133, G>C. VCF-style: chr19-856133-G-C. GRCh37 (hg19) VCF-style: chr19-856133-G-C.
Other names: short protein forms R258P.
Identifiers: ClinVar variation 4248078 (VCV004248078.1).

ClinVar aggregate classification (germline): Uncertain significance (1 of 4 stars; one submission).

Conditions:
Inborn genetic diseases. Identifiers: MedGen C0950123, MeSH D030342.

Submission:

Ambry Genetics
Classification: Uncertain significance for Inborn genetic diseases. Last evaluated: 2025-08-08. Review status: criteria provided, single submitter. Criteria: Ambry Variant Classification Scheme 2023. Collection method: clinical testing. Allele origin: germline.
Comment: The p.R258P variant (also known as c.773G>C), located in coding exon 5 of the ELANE gene, results from a G to C substitution at nucleotide position 773. The arginine at codon 258 is replaced by proline, an amino acid with dissimilar properties. This amino acid position is conserved. In addition, this alteration is predicted to be tolerated by in silico analysis. Based on the available evidence, the clinical significance of this variant remains unclear.